The following is an entry in ClinVar:

NM_015122.3(FCHO1):c.2266A>G (p.Ser756Gly)

Gene: FCHO1 (FCH and mu domain containing endocytic adaptor 1; plus strand). Cytogenetic location: 19p13.11.
Variant type: single nucleotide variant.
Coding change: c.2266A>G on transcript NM_015122.3 (MANE Select); coding-DNA position 2266, A replaced by G.
Protein change: p.Ser756Gly; replaces serine 756 with glycine.
Molecular consequence: missense variant. On other transcripts: non-coding transcript variant (35), intron variant (5).
Genome position (GRCh38, 1-based): chr19:17,784,764, A>G. VCF-style: chr19-17784764-A-G. GRCh37 (hg19) VCF-style: chr19-17895573-A-G.
Other names: c.2266A>G, p.Ser756Gly (NM_001161357.2, NM_001161358.2, NM_001384370.1 and 11 more transcripts); c.2116A>G, p.Ser706Gly (NM_001161359.2, NM_001384384.1, NM_001384385.1 and 1 more transcripts); c.2227A>G, p.Ser743Gly (NM_001384389.1, NM_001384388.1); c.2191A>G, p.Ser731Gly (NM_001384390.1); c.2149A>G, p.Ser717Gly (NM_001384392.1, NM_001384393.1, NM_001384394.1 and 1 more transcripts); c.1990A>G, p.Ser664Gly (NM_001384396.1, NM_001384397.1, NM_001384398.1 and 4 more transcripts); c.1945A>G, p.Ser649Gly (NM_001384403.1); c.1950+529A>G (NM_001384404.1); and 5 more; short protein forms S664G, S706G, S717G, S743G, S649G, S731G, S749G, S756G.
Identifiers: ClinVar variation 1519182 (VCV001519182.6), dbSNP rs984894910, ClinGen allele CA306123331.
Genomic context (GRCh38, chr19:17,784,764, plus strand): 5'-TCTCATTCTCATTCTTCCTAGTTCTCCCGCCCGGGTCCCCAGTCTGTGCCTCTGCAGCTC[A>G]GTGCCCACTGGCAGTGTGGAGCCACCCTCACCCAGGTCTCAGTGGAGTACGGCTACCGGC-3'
Protein context (NP_055937.1, residues 746-766): PGPQSVPLQL[Ser756Gly]AHWQCGATLT

ClinVar aggregate classification (germline): Uncertain significance (1 of 4 stars; one submission).

Allele frequency attached by ClinVar (database versions not stated): gnomAD exomes below 0.00001; TOPMed 0.00001.
gnomAD v4.1: 2 of 1,613,974 alleles (0.00012%); highest among the groups gnomAD compares: East Asian, 0.0045%; no homozygotes.

Submission:

Labcorp Genetics (formerly Invitae), Labcorp
Classification: Uncertain significance. Last evaluated: 2024-11-18. Review status: criteria provided, single submitter. Criteria: Invitae Variant Classification Sherloc (09022015). Collection method: clinical testing. Allele origin: germline.
Comment: This sequence change replaces serine, which is neutral and polar, with glycine, which is neutral and non-polar, at codon 756 of the FCHO1 protein (p.Ser756Gly). This variant is present in population databases (no rsID available, gnomAD 0.006%). This variant has not been reported in the literature in individuals affected with FCHO1-related conditions. ClinVar contains an entry for this variant (Variation ID: 1519182). An algorithm developed to predict the effect of missense changes on protein structure and function (PolyPhen-2) suggests that this variant is likely to be tolerated. In summary, the available evidence is currently insufficient to determine the role of this variant in disease. Therefore, it has been classified as a Variant of Uncertain Significance.